The following is an entry in ClinVar:

NM_002601.4(PDE6D):c.311C>T (p.Thr104Ile)

Gene: PDE6D (phosphodiesterase 6D; minus strand). Cytogenetic location: 2q37.1.
Variant type: single nucleotide variant.
Coding change: c.311C>T on transcript NM_002601.4 (MANE Select); coding-DNA position 311, C replaced by T.
Protein change: p.Thr104Ile; replaces threonine 104 with isoleucine.
Molecular consequence: missense variant. On other transcripts: intron variant (1).
Genome position (GRCh38, 1-based): chr2:231,737,247, G>A on the plus strand (C>T on the coding strand, the complement: PDE6D is on the minus strand). VCF-style: chr2-231737247-G-A. GRCh37 (hg19) VCF-style: chr2-232601957-G-A.
Other names: c.265+766C>T (NM_001291018.2); short protein forms T104I.
Identifiers: ClinVar variation 999226 (VCV000999226.8), dbSNP rs2048708941, ClinGen allele CA350974169.

ClinVar aggregate classification (germline): Uncertain significance (1 of 4 stars; one submission).

Conditions:
Joubert syndrome 22 (JBTS22). Identifiers: Orphanet 2754, MedGen C3810278, MONDO:0014297, OMIM 615665.

Submission:

Labcorp Genetics (formerly Invitae), Labcorp
Classification: Uncertain significance for Joubert syndrome 22. Last evaluated: 2020-10-13. Review status: criteria provided, single submitter. Criteria: Invitae Variant Classification Sherloc (09022015). Collection method: clinical testing. Allele origin: germline.
Comment: In summary, the available evidence is currently insufficient to determine the role of this variant in disease. Therefore, it has been classified as a Variant of Uncertain Significance. Algorithms developed to predict the effect of missense changes on protein structure and function (SIFT, PolyPhen-2, Align-GVGD) all suggest that this variant is likely to be disruptive, but these predictions have not been confirmed by published functional studies and their clinical significance is uncertain. This variant has not been reported in the literature in individuals with PDE6D-related conditions. This variant is not present in population databases (ExAC no frequency). This sequence change replaces threonine with isoleucine at codon 104 of the PDE6D protein (p.Thr104Ile). The threonine residue is highly conserved and there is a moderate physicochemical difference between threonine and isoleucine.